The following is an entry in ClinVar:

ClinVar aggregate classification (germline): Uncertain significance. Review status: criteria provided, multiple submitters, no conflicts (2 of 4 stars). 3 submissions from 3 submitters: Uncertain significance (3). Last evaluated 2025-07-05.

Conditions:
Hereditary cancer-predisposing syndrome. Also called: Tumor predisposition; Hereditary neoplastic syndrome; Neoplastic Syndromes, Hereditary; Hereditary Cancer Syndrome. Identifiers: Orphanet 140162, MedGen C0027672, MeSH D009386, MONDO:0015356.

Submissions (3):

Ambry Genetics
Classification: Uncertain significance for Hereditary cancer-predisposing syndrome. Last evaluated: 2025-07-05. Review status: criteria provided, single submitter. Criteria: Ambry Variant Classification Scheme 2023. Collection method: clinical testing. Allele origin: germline.
Comment: The p.P849T variant (also known as c.2545C>A), located in coding exon 19 of the MSH3 gene, results from a C to A substitution at nucleotide position 2545. The proline at codon 849 is replaced by threonine, an amino acid with highly similar properties. This amino acid position is conserved. In addition, this alteration is predicted to be deleterious by in silico analysis. Based on the available evidence, the clinical significance of this variant remains unclear.

Labcorp Genetics (formerly Invitae), Labcorp
Classification: Uncertain significance. Last evaluated: 2023-03-22. Review status: criteria provided, single submitter. Criteria: Invitae Variant Classification Sherloc (09022015). Collection method: clinical testing. Allele origin: germline.
Comment: In summary, the available evidence is currently insufficient to determine the role of this variant in disease. Therefore, it has been classified as a Variant of Uncertain Significance. An algorithm developed to predict the effect of missense changes on protein structure and function (PolyPhen-2) suggests that this variant is likely to be disruptive. This sequence change replaces proline, which is neutral and non-polar, with threonine, which is neutral and polar, at codon 849 of the MSH3 protein (p.Pro849Thr). This variant is not present in population databases (gnomAD no frequency). This variant has not been reported in the literature in individuals affected with MSH3-related conditions. ClinVar contains an entry for this variant (Variation ID: 1429487).

GeneDx
Classification: Uncertain significance. Last evaluated: 2022-09-27. Review status: criteria provided, single submitter. Criteria: GeneDx Variant Classification Process June 2021. Collection method: clinical testing. Allele origin: germline. Affected: yes.
Comment: Not observed at significant frequency in large population cohorts (gnomAD); In silico analysis supports that this missense variant has a deleterious effect on protein structure/function; Has not been previously published as pathogenic or benign to our knowledge

NM_002439.5(MSH3):c.2545C>A (p.Pro849Thr)

Gene: MSH3 (mutS homolog 3; plus strand). Cytogenetic location: 5q14.1.
Variant type: single nucleotide variant.
Coding change: c.2545C>A on transcript NM_002439.5 (MANE Select); coding-DNA position 2545, C replaced by A.
Protein change: p.Pro849Thr; replaces proline 849 with threonine.
Molecular consequence: missense variant.
Genome position (GRCh38, 1-based): chr5:80,792,734, C>A. VCF-style: chr5-80792734-C-A. GRCh37 (hg19) VCF-style: chr5-80088553-C-A.
Other names: c.2545C>A (NM_002439.4, NM_002439.3); short protein forms P849T.
Identifiers: ClinVar variation 1429487 (VCV001429487.8), dbSNP rs2112026624, ClinGen allele CA360272827.